The following is an entry in ClinVar:

NM_006623.4(PHGDH):c.1338G>C (p.Gln446His)

Gene: PHGDH (phosphoglycerate dehydrogenase; plus strand). Cytogenetic location: 1p12.
Variant type: single nucleotide variant.
Coding change: c.1338G>C on transcript NM_006623.4 (MANE Select); coding-DNA position 1338, G replaced by C.
Protein change: p.Gln446His; replaces glutamine 446 with histidine.
Molecular consequence: missense variant.
Genome position (GRCh38, 1-based): chr1:119,742,935, G>C. VCF-style: chr1-119742935-G-C. GRCh37 (hg19) VCF-style: chr1-120285558-G-C.
Other names: short protein forms Q446H.
Identifiers: ClinVar variation 2141158 (VCV002141158.2), dbSNP rs781102534, ClinGen allele CA1037437.

ClinVar aggregate classification (germline): Uncertain significance. Review status: criteria provided, multiple submitters, no conflicts (2 of 4 stars). 2 submissions from 2 submitters: Uncertain significance (2). Last evaluated 2024-11-05.

Conditions:
PHGDH deficiency. Identifiers: Orphanet 79351, MedGen C1866174, MONDO:0011152, OMIM 601815.

Allele frequency attached by ClinVar (database versions not stated): TOPMed 0.00001; ExAC 0.00002; gnomAD 0.00002; gnomAD exomes 0.00002.
gnomAD v4.1: 34 of 1,613,748 alleles (0.0021%); highest among the groups gnomAD compares: Non-Finnish European, 0.0015%; no homozygotes.

Submissions (2):

Blueprint Genetics
Classification: Uncertain significance. Last evaluated: 2024-11-05. Review status: criteria provided, single submitter. Criteria: ACMG Guidelines, 2015. Collection method: clinical testing. Allele origin: germline.

Labcorp Genetics (formerly Invitae), Labcorp
Classification: Uncertain significance for PHGDH deficiency. Last evaluated: 2022-07-12. Review status: criteria provided, single submitter. Criteria: Invitae Variant Classification Sherloc (09022015). Collection method: clinical testing. Allele origin: germline.
Comment: This sequence change replaces glutamine, which is neutral and polar, with histidine, which is basic and polar, at codon 446 of the PHGDH protein (p.Gln446His). This variant is present in population databases (rs781102534, gnomAD 0.06%). This variant has not been reported in the literature in individuals affected with PHGDH-related conditions. Algorithms developed to predict the effect of missense changes on protein structure and function output the following: SIFT: "Tolerated"; PolyPhen-2: "Benign"; Align-GVGD: "Class C0". The histidine amino acid residue is found in multiple mammalian species, which suggests that this missense change does not adversely affect protein function. In summary, the available evidence is currently insufficient to determine the role of this variant in disease. Therefore, it has been classified as a Variant of Uncertain Significance.